The following is an entry in ClinVar:

NM_001127208.3(TET2):c.2567G>C (p.Gly856Ala)

Genes: TET2 (tet methylcytosine dioxygenase 2; plus strand), TET2-AS1 (TET2 antisense RNA 1; minus strand). Cytogenetic location: 4q24.
Variant type: single nucleotide variant.
Coding change: c.2567G>C on transcript NM_001127208.3 (MANE Select); coding-DNA position 2567, G replaced by C.
Protein change: p.Gly856Ala; replaces glycine 856 with alanine.
Molecular consequence: missense variant.
Genome position (GRCh38, 1-based): chr4:105,236,509, G>C. VCF-style: chr4-105236509-G-C. GRCh37 (hg19) VCF-style: chr4-106157666-G-C.
Other names: c.2567G>C, p.Gly856Ala (NM_017628.4); short protein forms G856A.
Identifiers: ClinVar variation 3967523 (VCV003967523.1).

ClinVar aggregate classification (germline): Uncertain significance (1 of 4 stars; one submission).

Submission:

Ambry Genetics
Classification: Uncertain significance. Last evaluated: 2025-04-03. Review status: criteria provided, single submitter. Criteria: Ambry Variant Classification Scheme 2023. Collection method: clinical testing. Allele origin: germline.
Comment: The p.G856A variant (also known as c.2567G>C), located in coding exon 1 of the TET2 gene, results from a G to C substitution at nucleotide position 2567. The glycine at codon 856 is replaced by alanine, an amino acid with similar properties. This amino acid position is conserved. In addition, this alteration is predicted to be tolerated by in silico analysis. Based on the available evidence, the clinical significance of this variant remains unclear.